The following is an entry in ClinVar:

NM_002890.3(RASA1):c.1332+3C>G

Genes: CCNH (cyclin H; minus strand), RASA1 (RAS p21 protein activator 1; plus strand). Cytogenetic location: 5q14.3.
Variant type: single nucleotide variant.
Coding change: c.1332+3C>G on transcript NM_002890.3 (MANE Select); 3 bases into the intron after coding-DNA position 1332, C replaced by G.
Molecular consequence: intron variant.
Genome position (GRCh38, 1-based): chr5:87,353,238, C>G. VCF-style: chr5-87353238-C-G. GRCh37 (hg19) VCF-style: chr5-86649055-C-G.
Other names: c.801+3C>G (NM_022650.3); c.934-40443G>C (NM_001364075.2).
Identifiers: ClinVar variation 2966736 (VCV002966736.3), dbSNP rs372660229, ClinGen allele CA121792852.

ClinVar aggregate classification (germline): Uncertain significance (1 of 4 stars; one submission).

Conditions:
Capillary malformation-arteriovenous malformation syndrome. Also called: Capillary malformation-arteriovenous malformation. Identifiers: Orphanet 137667, MedGen C1842180, MONDO:0012016.

Allele frequency attached by ClinVar (database versions not stated): ESP Exome Variant Server 0.00008.
gnomAD v4.1: 2 of 1,595,968 alleles (0.00013%); highest among the groups gnomAD compares: Non-Finnish European, 0.00017%; no homozygotes.

Submission:

Labcorp Genetics (formerly Invitae), Labcorp
Classification: Uncertain significance for Capillary malformation-arteriovenous malformation syndrome. Last evaluated: 2023-03-20. Review status: criteria provided, single submitter. Criteria: Invitae Variant Classification Sherloc (09022015). Collection method: clinical testing. Allele origin: germline.
Comment: This sequence change falls in intron 9 of the RASA1 gene. It does not directly change the encoded amino acid sequence of the RASA1 protein. It affects a nucleotide within the consensus splice site. This variant is not present in population databases (gnomAD no frequency). This variant has not been reported in the literature in individuals affected with RASA1-related conditions. Variants that disrupt the consensus splice site are a relatively common cause of aberrant splicing (PMID: 17576681, 9536098). Algorithms developed to predict the effect of sequence changes on RNA splicing suggest that this variant is not likely to affect RNA splicing. In summary, the available evidence is currently insufficient to determine the role of this variant in disease. Therefore, it has been classified as a Variant of Uncertain Significance.

Literature cited by the submitters: PubMed 17576681; PubMed 9536098.